The following is an entry in ClinVar:

NM_001370259.2(MEN1):c.592T>C (p.Trp198Arg)

Gene: MEN1 (menin 1; minus strand). Cytogenetic location: 11q13.1.
Variant type: single nucleotide variant.
Coding change: c.592T>C on transcript NM_001370259.2 (MANE Select); coding-DNA position 592, T replaced by C.
Protein change: p.Trp198Arg; replaces tryptophan 198 with arginine.
Molecular consequence: missense variant. On other transcripts: non-coding transcript variant (4), intron variant (5).
Genome position (GRCh38, 1-based): chr11:64,807,953, A>G on the plus strand (T>C on the coding strand, the complement: MEN1 is on the minus strand). VCF-style: chr11-64807953-A-G. GRCh37 (hg19) VCF-style: chr11-64575425-A-G.
Other names: c.607T>C, p.Trp203Arg (NM_000244.4, NM_001407145.1, NM_001407150.1 and 5 more transcripts); c.592T>C, p.Trp198Arg (NM_001370251.2, NM_001370260.2, NM_001370261.2 and 7 more transcripts); c.549+43T>C (NM_001407148.1, NM_001407149.1, NM_001407151.1 and 2 more transcripts); short protein forms W198R, W203R.
Identifiers: ClinVar variation 4859901 (VCV004859901.1).

ClinVar aggregate classification (germline): Uncertain significance (1 of 4 stars; one submission).

Conditions:
Hereditary cancer-predisposing syndrome. Also called: Neoplastic Syndromes, Hereditary; Tumor predisposition; Hereditary Cancer Syndrome; Hereditary neoplastic syndrome. Identifiers: Orphanet 140162, MedGen C0027672, MeSH D009386, MONDO:0015356.

Submission:

Ambry Genetics
Classification: Uncertain significance for Hereditary cancer-predisposing syndrome. Last evaluated: 2026-04-18. Review status: criteria provided, single submitter. Criteria: Ambry Variant Classification Scheme 2023. Collection method: clinical testing. Allele origin: germline.
Comment: The p.W198R variant (also known as c.592T>C), located in coding exon 2 of the MEN1 gene, results from a T to C substitution at nucleotide position 592. The tryptophan at codon 198 is replaced by arginine, an amino acid with dissimilar properties. This amino acid position is conserved. In addition, this alteration is predicted to be deleterious by in silico analysis. Based on the available evidence, the clinical significance of this variant remains unclear.